The following is an entry in ClinVar:

ClinVar aggregate classification (germline): Benign. Review status: criteria provided, multiple submitters, no conflicts (2 of 4 stars). 11 submissions from 11 submitters: Benign (8). 3 of the submissions do not count toward it. Last evaluated 2026-06-29.

Conditions:
RNF43-related disorder. Also called: RNF43-related condition.
Sessile serrated polyposis cancer syndrome (SSPCS). Identifiers: Orphanet 157798, MedGen C4310714, MONDO:0014919, OMIM 617108.
Hereditary cancer-predisposing syndrome. Also called: Neoplastic Syndromes, Hereditary; Hereditary Cancer Syndrome; Tumor predisposition; Hereditary neoplastic syndrome. Identifiers: Orphanet 140162, MedGen C0027672, MeSH D009386, MONDO:0015356.

Allele frequency attached by ClinVar (database versions not stated): ESP Exome Variant Server 0.13471; gnomAD 0.14132 and 0.14841; TOPMed 0.14311; 1000 Genomes Project 30x 0.22252; 1000 Genomes Project 0.22624.
gnomAD v4.1: 208,067 of 1,605,284 alleles (13%); highest among the groups gnomAD compares: East Asian, 36%; 16,938 homozygotes.

Submissions (11):

Myriad Genetics, Inc.
Classification: Benign for Sessile serrated polyposis cancer syndrome. Last evaluated: 2026-06-29. Review status: criteria provided, single submitter. Criteria: Myriad Autosomal Dominant, Autosomal Recessive and X-Linked Classification Criteria (2023). Collection method: clinical testing. Allele origin: unknown.
Comment: This variant is considered benign. This variant has been observed at a population frequency that is significantly greater than expected given the associated disease prevalence and penetrance.

Labcorp Genetics (formerly Invitae), Labcorp
Classification: Benign. Last evaluated: 2026-02-04. Review status: criteria provided, single submitter. Criteria: Invitae Variant Classification Sherloc (09022015). Collection method: clinical testing. Allele origin: germline.

GeneKor MSA
Classification: Benign for Hereditary cancer-predisposing syndrome. Last evaluated: 2025-07-10. Review status: criteria provided, single submitter. Criteria: ACMG Guidelines, 2015. Collection method: clinical testing. Allele origin: germline.

Blueprint Genetics
Classification: Benign. Last evaluated: 2024-11-27. Review status: criteria provided, single submitter. Criteria: ACMG Guidelines, 2015. Collection method: clinical testing. Allele origin: germline.

Ambry Genetics
Classification: Benign. Last evaluated: 2024-10-18. Review status: criteria provided, single submitter. Criteria: Ambry Variant Classification Scheme 2023. Collection method: clinical testing. Allele origin: germline.

Mayo Clinic Laboratories, Mayo Clinic
Classification: Benign. Last evaluated: 2022-04-26. Review status: criteria provided, single submitter. Criteria: ACMG Guidelines, 2015. Collection method: clinical testing. Allele origin: germline. Observed: 119 variant alleles.

GeneDx
Classification: Benign. Last evaluated: 2019-06-15. Review status: criteria provided, single submitter. Criteria: GeneDx Variant Classification Process June 2021. Collection method: clinical testing. Allele origin: germline. Affected: yes.

Breakthrough Genomics
Classification: Benign. Review status: criteria provided, single submitter. Criteria: ACMG Guidelines, 2015. Collection method: not provided. Allele origin: germline. Inheritance: Autosomal dominant inheritance. Affected: yes.

PreventionGenetics, part of Exact Sciences
Classification: Benign for RNF43-related condition. Last evaluated: 2019-11-04. Review status: no assertion criteria provided. Collection method: clinical testing. Allele origin: germline. Not counted in ClinVar's aggregate classification.
Comment: This variant is classified as benign based on ACMG/AMP sequence variant interpretation guidelines (Richards et al. 2015 PMID: 25741868, with internal and published modifications).

Clinical Genetics, Academic Medical Center
Classification: Benign. Review status: no assertion criteria provided. Collection method: clinical testing. Allele origin: germline. Affected: yes. Study: VKGL Data-share Consensus. Not counted in ClinVar's aggregate classification.

Joint Genome Diagnostic Labs from Nijmegen and Maastricht, Radboudumc and MUMC+
Classification: Benign. Review status: no assertion criteria provided. Collection method: clinical testing. Allele origin: germline. Affected: yes. Study: VKGL Data-share Consensus. Not counted in ClinVar's aggregate classification.

NM_017763.6(RNF43):c.350G>A (p.Arg117His)

Gene: RNF43 (ring finger protein 43; minus strand). Cytogenetic location: 17q22.
Variant type: single nucleotide variant.
Coding change: c.350G>A on transcript NM_017763.6 (MANE Select); coding-DNA position 350, G replaced by A.
Protein change: p.Arg117His; replaces arginine 117 with histidine.
Molecular consequence: missense variant.
Genome position (GRCh38, 1-based): chr17:58,370,936, C>T on the plus strand (G>A on the coding strand, the complement: RNF43 is on the minus strand). VCF-style: chr17-58370936-C-T. GRCh37 (hg19) VCF-style: chr17-56448297-C-T.
Other names: p.Arg117His; c.350G>A, p.Arg117His (NM_001305544.3); c.-32G>A (NM_001305545.2); short protein forms R117H.
Identifiers: ClinVar variation 1165517 (VCV001165517.22), dbSNP rs2257205, ClinGen allele CA8673461.